The following is an entry in ClinVar:

ClinVar aggregate classification (germline): Uncertain significance. Review status: criteria provided, multiple submitters, no conflicts (2 of 4 stars). 2 submissions from 2 submitters: Uncertain significance (2). Last evaluated 2022-10-26.

Conditions:
Inborn genetic diseases. Identifiers: MedGen C0950123, MeSH D030342.
Congenital myasthenic syndrome 8. Also called: Myasthenic syndrome, congenital, 8, with pre- and postsynaptic defects; MYASTHENIC SYNDROME, CONGENITAL, DUE TO AGRIN DEFICIENCY. Identifiers: Orphanet 590, MedGen C3808739, MONDO:0014052, OMIM 615120.

Submissions (2):

Ambry Genetics
Classification: Uncertain significance for Inborn genetic diseases. Last evaluated: 2022-10-26. Review status: criteria provided, single submitter. Criteria: Ambry Variant Classification Scheme 2023. Collection method: clinical testing. Allele origin: germline.

Labcorp Genetics (formerly Invitae), Labcorp
Classification: Uncertain significance for Congenital myasthenic syndrome 8. Last evaluated: 2022-05-04. Review status: criteria provided, single submitter. Criteria: Invitae Variant Classification Sherloc (09022015). Collection method: clinical testing. Allele origin: germline.
Comment: In summary, the available evidence is currently insufficient to determine the role of this variant in disease. Therefore, it has been classified as a Variant of Uncertain Significance. Algorithms developed to predict the effect of missense changes on protein structure and function are either unavailable or do not agree on the potential impact of this missense change (SIFT: "Deleterious"; PolyPhen-2: "Probably Damaging"; Align-GVGD: "Class C0"). ClinVar contains an entry for this variant (Variation ID: 1036302). This missense change has been observed in individual(s) with clinical features of AGRN-related conditions (Invitae). This variant is not present in population databases (gnomAD no frequency). This sequence change replaces glycine, which is neutral and non-polar, with aspartic acid, which is acidic and polar, at codon 1437 of the AGRN protein (p.Gly1437Asp).

NM_198576.4(AGRN):c.4310G>A (p.Gly1437Asp)

Gene: AGRN (agrin; plus strand). Cytogenetic location: 1p36.33.
Variant type: single nucleotide variant.
Coding change: c.4310G>A on transcript NM_198576.4 (MANE Select); coding-DNA position 4310, G replaced by A.
Protein change: p.Gly1437Asp; replaces glycine 1437 with aspartic acid.
Molecular consequence: missense variant.
Genome position (GRCh38, 1-based): chr1:1,049,247, G>A. VCF-style: chr1-1049247-G-A. GRCh37 (hg19) VCF-style: chr1-984627-G-A.
Other names: c.4310G>A (NM_198576.3); c.4310G>A, p.Gly1437Asp (NM_001305275.2); c.3995G>A, p.Gly1332Asp (NM_001364727.2); short protein forms G1332D, G1437D.
Identifiers: ClinVar variation 1036302 (VCV001036302.10), dbSNP rs1645200273, ClinGen allele CA337777087.